The following is an entry in ClinVar:

ClinVar aggregate classification (germline): Uncertain significance (1 of 4 stars; one submission).

Conditions:
Neuromuscular disease caused by qualitative or quantitative defects of dysferlin. Also called: Dysferlinopathy; Qualitative or quantitative defects of dysferlin. Identifiers: Orphanet 207073, MedGen C2931687, MONDO:0016145.

Submission:

Labcorp Genetics (formerly Invitae), Labcorp
Classification: Uncertain significance for Neuromuscular disease caused by qualitative or quantitative defects of dysferlin. Last evaluated: 2024-08-28. Review status: criteria provided, single submitter. Criteria: Invitae Variant Classification Sherloc (09022015). Collection method: clinical testing. Allele origin: germline.
Comment: This sequence change replaces glutamic acid, which is acidic and polar, with glycine, which is neutral and non-polar, at codon 1657 of the DYSF protein (p.Glu1657Gly). This variant is not present in population databases (gnomAD no frequency). This variant has not been reported in the literature in individuals affected with DYSF-related conditions. Invitae Evidence Modeling of protein sequence and biophysical properties (such as structural, functional, and spatial information, amino acid conservation, physicochemical variation, residue mobility, and thermodynamic stability) has been performed for this missense variant. However, the output from this modeling did not meet the statistical confidence thresholds required to predict the impact of this variant on DYSF protein function. This variant disrupts the p.Glu1657 amino acid residue in DYSF. Other variant(s) that disrupt this residue have been determined to be pathogenic (PMID: 17070050). This suggests that this residue is clinically significant, and that variants that disrupt this residue are likely to be disease-causing. In summary, the available evidence is currently insufficient to determine the role of this variant in disease. Therefore, it has been classified as a Variant of Uncertain Significance.

Literature cited by the submitters: PubMed 17070050.

NM_001130987.2(DYSF):c.5087A>G (p.Glu1696Gly)

Gene: DYSF (dysferlin; plus strand). Cytogenetic location: 2p13.2.
Variant type: single nucleotide variant.
Coding change: c.5087A>G on transcript NM_001130987.2 (MANE Select); coding-DNA position 5087, A replaced by G.
Protein change: p.Glu1696Gly; replaces glutamic acid 1696 with glycine.
Molecular consequence: missense variant.
Genome position (GRCh38, 1-based): chr2:71,664,351, A>G. VCF-style: chr2-71664351-A-G. GRCh37 (hg19) VCF-style: chr2-71891481-A-G.
Other names: c.4973A>G, p.Glu1658Gly (NM_001130455.2); c.4928A>G, p.Glu1643Gly (NM_001130976.2); c.4991A>G, p.Glu1664Gly (NM_001130977.2); c.5033A>G, p.Glu1678Gly (NM_001130978.2); c.5063A>G, p.Glu1688Gly (NM_001130979.2); c.5021A>G, p.Glu1674Gly (NM_001130980.2); c.5084A>G, p.Glu1695Gly (NM_001130981.2); c.5066A>G, p.Glu1689Gly (NM_001130982.2); and 5 more; short protein forms E1644G, E1679G, E1689G, E1658G, E1675G, E1643G, E1664G, E1665G.
Identifiers: ClinVar variation 3649891 (VCV003649891.2).
Genomic context (GRCh38, chr2:71,664,351, plus strand): 5'-TGCCTCTGGAGAAGGACCTAAAGATCACTCTCTATGACTATGACCTCCTCTCCAAGGACG[A>G]AAAGATCGGTGAGACGGTCGTCGACCTGGAGAACAGGCTGCTGTCCAAGTTTGGGGCTCG-3'
Protein context (NP_001124459.1, residues 1686-1706): LYDYDLLSKD[Glu1696Gly]KIGETVVDLE